The following is an entry in ClinVar:

ClinVar aggregate classification (germline): Uncertain significance. Review status: criteria provided, multiple submitters, no conflicts (2 of 4 stars). 2 submissions from 2 submitters: Uncertain significance (2). Last evaluated 2024-02-22.

Conditions:
Intellectual developmental disorder, autosomal recessive 37. Also called: Intellectual disability-hypotonia-spasticity-sleep disorder syndrome. Identifiers: Orphanet 356996, MedGen C3809672, MONDO:0014210, OMIM 615493.

Allele frequency attached by ClinVar (database versions not stated): gnomAD exomes 0.00001; TOPMed 0.00002; ExAC 0.00003; gnomAD 0.00003; 1000 Genomes Project 0.00020; 1000 Genomes Project 30x 0.00031.
gnomAD v4.1: 17 of 1,606,336 alleles (0.0011%); highest among the groups gnomAD compares: Admixed American, 0.0051%; no homozygotes.

Submissions (2):

Fulgent Genetics
Classification: Uncertain significance for Intellectual developmental disorder, autosomal recessive 37. Last evaluated: 2024-02-22. Review status: criteria provided, single submitter. Criteria: ACMG Guidelines, 2015. Collection method: clinical testing. Allele origin: germline.

Labcorp Genetics (formerly Invitae), Labcorp
Classification: Uncertain significance. Last evaluated: 2023-12-15. Review status: criteria provided, single submitter. Criteria: Invitae Variant Classification Sherloc (09022015). Collection method: clinical testing. Allele origin: germline.
Comment: This sequence change replaces serine, which is neutral and polar, with leucine, which is neutral and non-polar, at codon 4156 of the ANK3 protein (p.Ser4156Leu). This variant is present in population databases (rs565298479, gnomAD 0.01%). This variant has not been reported in the literature in individuals affected with ANK3-related conditions. Advanced modeling of protein sequence and biophysical properties (such as structural, functional, and spatial information, amino acid conservation, physicochemical variation, residue mobility, and thermodynamic stability) performed at Invitae indicates that this missense variant is not expected to disrupt ANK3 protein function with a negative predictive value of 80%. In summary, the available evidence is currently insufficient to determine the role of this variant in disease. Therefore, it has been classified as a Variant of Uncertain Significance.

NM_020987.5(ANK3):c.12467C>T (p.Ser4156Leu)

Gene: ANK3 (ankyrin 3; minus strand). Cytogenetic location: 10q21.2.
Variant type: single nucleotide variant.
Coding change: c.12467C>T on transcript NM_020987.5 (MANE Select); coding-DNA position 12467, C replaced by T.
Protein change: p.Ser4156Leu; replaces serine 4156 with leucine.
Molecular consequence: missense variant.
Genome position (GRCh38, 1-based): chr10:60,063,239, G>A on the plus strand (C>T on the coding strand, the complement: ANK3 is on the minus strand). VCF-style: chr10-60063239-G-A. GRCh37 (hg19) VCF-style: chr10-61822997-G-A.
Other names: c.2030C>T, p.Ser677Leu (NM_001149.4); c.4610C>T, p.Ser1537Leu (NM_001204403.2); c.4631C>T, p.Ser1544Leu (NM_001204404.2); c.4628C>T, p.Ser1543Leu (NM_001320874.2); short protein forms S1544L, S1537L, S1543L, S4156L, S677L.
Identifiers: ClinVar variation 2995255 (VCV002995255.4), dbSNP rs565298479, ClinGen allele CA5510876.